The following is an entry in ClinVar:

ClinVar aggregate classification (germline): Pathogenic/Likely pathogenic. Review status: criteria provided, multiple submitters, no conflicts (2 of 4 stars). 3 submissions from 3 submitters: Pathogenic (1); Likely pathogenic (2). Last evaluated 2024-01-22.

Conditions:
Glutathione synthetase deficiency with 5-oxoprolinuria. Also called: PYROGLUTAMIC ACIDURIA; 5-Oxoprolinuria; Gluthathione synthetase deficiency; 5-OXOPROLINURIA DUE TO GLUTATHIONE SYNTHETASE DEFICIENCY; Reduced glutathione synthetase level. Identifiers: Orphanet 289846, MedGen C0398746, MONDO:0009947, OMIM 266130, HP:0003343.
Glutathione synthetase deficiency without 5-oxoprolinuria. Also called: ANEMIA, CONGENITAL, NONSPHEROCYTIC HEMOLYTIC, 6. Identifiers: Orphanet 289849, Orphanet 32, MedGen C1856399, MONDO:0009284, OMIM 231900.

Allele frequency attached by ClinVar (database versions not stated): TOPMed below 0.00001.
gnomAD v4.1: 5 of 1,613,192 alleles (0.00031%); highest among the groups gnomAD compares: Non-Finnish European, 0.00034%; no homozygotes.

Submissions (3):

Fulgent Genetics
Classification: Likely pathogenic for Glutathione synthetase deficiency without 5-oxoprolinuria; Glutathione synthetase deficiency with 5-oxoprolinuria. Last evaluated: 2024-01-22. Review status: criteria provided, single submitter. Criteria: ACMG Guidelines, 2015. Collection method: clinical testing. Allele origin: germline.

Labcorp Genetics (formerly Invitae), Labcorp
Classification: Pathogenic for Glutathione synthetase deficiency with 5-oxoprolinuria. Last evaluated: 2023-08-31. Review status: criteria provided, single submitter. Criteria: Invitae Variant Classification Sherloc (09022015). Collection method: clinical testing. Allele origin: germline.
Comment: For these reasons, this variant has been classified as Pathogenic. This variant has not been reported in the literature in individuals affected with GSS-related conditions. This sequence change creates a premature translational stop signal (p.Arg164*) in the GSS gene. It is expected to result in an absent or disrupted protein product. Loss-of-function variants in GSS are known to be pathogenic (PMID: 12638941, 15717202). This variant is not present in population databases (gnomAD no frequency).

Revvity Omics, Revvity
Classification: Likely pathogenic. Last evaluated: 2023-02-07. Review status: criteria provided, single submitter. Criteria: ACMG Guidelines, 2015. Collection method: clinical testing. Allele origin: germline.

Literature cited by the submitters: PubMed 12638941 (cited by Labcorp Genetics (formerly Invitae), Labcorp); PubMed 15717202 (cited by Labcorp Genetics (formerly Invitae), Labcorp).

NM_000178.4(GSS):c.490C>T (p.Arg164Ter)

Gene: GSS (glutathione synthetase; minus strand). Cytogenetic location: 20q11.22.
Variant type: single nucleotide variant.
Coding change: c.490C>T on transcript NM_000178.4 (MANE Select); coding-DNA position 490, C replaced by T.
Protein change: p.Arg164Ter; replaces arginine 164 with a stop codon.
Molecular consequence: nonsense.
Genome position (GRCh38, 1-based): chr20:34,942,489, G>A on the plus strand (C>T on the coding strand, the complement: GSS is on the minus strand). VCF-style: chr20-34942489-G-A. GRCh37 (hg19) VCF-style: chr20-33530292-G-A.
Other names: c.490C>T, p.Arg164Ter (NM_001322494.1, NM_001322495.1); short protein forms R164*.
Identifiers: ClinVar variation 2690620 (VCV002690620.6), dbSNP rs773018519, ClinGen allele CA408704167.